The following is an entry in ClinVar:

NM_003322.6(TULP1):c.890G>C (p.Arg297Pro)

Gene: TULP1 (TUB like protein 1; minus strand). Cytogenetic location: 6p21.31.
Variant type: single nucleotide variant.
Coding change: c.890G>C on transcript NM_003322.6 (MANE Select); coding-DNA position 890, G replaced by C.
Protein change: p.Arg297Pro; replaces arginine 297 with proline.
Molecular consequence: missense variant.
Genome position (GRCh38, 1-based): chr6:35,506,112, C>G on the plus strand (G>C on the coding strand, the complement: TULP1 is on the minus strand). VCF-style: chr6-35506112-C-G. GRCh37 (hg19) VCF-style: chr6-35473889-C-G.
Other names: c.731G>C, p.Arg244Pro (NM_001289395.2); short protein forms R244P, R297P.
Identifiers: ClinVar variation 1297126 (VCV001297126.7), dbSNP rs777674253, ClinGen allele CA363780326.

ClinVar aggregate classification (germline): Uncertain significance. Review status: criteria provided, multiple submitters, no conflicts (2 of 4 stars). 3 submissions from 3 submitters: Uncertain significance (3). Last evaluated 2022-04-06.

Conditions:
Retinitis pigmentosa (RP). Identifiers: Orphanet 791, MedGen C0035334, MeSH D012174, MONDO:0019200, OMIM 268000. Inheritance: Autosomal dominant, autosomal recessive and X linked inheritance.

Submissions (3):

Labcorp Genetics (formerly Invitae), Labcorp
Classification: Uncertain significance. Last evaluated: 2022-04-06. Review status: criteria provided, single submitter. Criteria: Invitae Variant Classification Sherloc (09022015). Collection method: clinical testing. Allele origin: germline.
Comment: In summary, the available evidence is currently insufficient to determine the role of this variant in disease. Therefore, it has been classified as a Variant of Uncertain Significance. Algorithms developed to predict the effect of missense changes on protein structure and function are either unavailable or do not agree on the potential impact of this missense change (SIFT: "Not Available"; PolyPhen-2: "Benign"; Align-GVGD: "Not Available"). ClinVar contains an entry for this variant (Variation ID: 1297126). This variant has not been reported in the literature in individuals affected with TULP1-related conditions. This variant is not present in population databases (gnomAD no frequency). This sequence change replaces arginine, which is basic and polar, with proline, which is neutral and non-polar, at codon 297 of the TULP1 protein (p.Arg297Pro).

Blueprint Genetics
Classification: Uncertain significance. Last evaluated: 2021-09-26. Review status: criteria provided, single submitter. Criteria: ACMG Guidelines, 2015. Collection method: clinical testing. Allele origin: germline.

Broad Center for Mendelian Genomics, Broad Institute of MIT and Harvard
Classification: Uncertain significance for Retinitis pigmentosa. Last evaluated: 2021-04-01. Review status: criteria provided, single submitter. Criteria: ACMG Guidelines, 2015. Collection method: curation. Allele origin: germline. Inheritance: Autosomal recessive inheritance. Affected: yes.
Comment: Based on this evidence we have classified this variant as a Variant of Uncertain Significance. If you have any questions about the classification please reach out to the Pierce Lab.

Literature cited by the submitters: PubMed 34906470 (cited by Broad Center for Mendelian Genomics, Broad Institute of MIT and Harvard).